The following is an entry in ClinVar:

NM_001370259.2(MEN1):c.1606C>G (p.Gln536Glu)

Gene: MEN1 (menin 1; minus strand). Cytogenetic location: 11q13.1.
Variant type: single nucleotide variant.
Coding change: c.1606C>G on transcript NM_001370259.2 (MANE Select); coding-DNA position 1606, C replaced by G.
Protein change: p.Gln536Glu; replaces glutamine 536 with glutamic acid.
Molecular consequence: missense variant.
Genome position (GRCh38, 1-based): chr11:64,804,561, G>C on the plus strand (C>G on the coding strand, the complement: MEN1 is on the minus strand). VCF-style: chr11-64804561-G-C. GRCh37 (hg19) VCF-style: chr11-64572033-G-C.
Other names: c.1621C>G, p.Gln541Glu (NM_000244.4, NM_130800.3, NM_130801.3 and 4 more transcripts); c.1732C>G, p.Gln578Glu (NM_001370251.2, NM_001407142.1, NM_001407143.1 and 1 more transcripts); c.1606C>G, p.Gln536Glu (NM_001370260.2, NM_001370261.2, NM_130799.3 and 2 more transcripts); c.1501C>G, p.Gln501Glu (NM_001370262.2, NM_001370263.2, NM_001407148.1 and 1 more transcripts); c.1747C>G, p.Gln583Glu (NM_001407150.1); c.1627C>G, p.Gln543Glu (NM_001407151.1); c.1441C>G, p.Gln481Glu (NM_001407152.1); short protein forms Q536E, Q578E, Q583E, Q541E, Q543E, Q481E, Q501E.
Identifiers: ClinVar variation 1776290 (VCV001776290.3), dbSNP rs2136083279, ClinGen allele CA381178157.

ClinVar aggregate classification (germline): Uncertain significance. Review status: criteria provided, multiple submitters, no conflicts (2 of 4 stars). 2 submissions from 2 submitters: Uncertain significance (2). Last evaluated 2023-05-31.

Conditions:
Multiple endocrine neoplasia, type 1 (MEN1). Also called: MEN I; WERMER SYNDROME; Endocrine adenomatosis multiple; MEN 1; MEA I. Identifiers: Orphanet 652, MedGen C0025267, MeSH D018761, MONDO:0007540, OMIM 131100.
Hereditary cancer-predisposing syndrome. Also called: Tumor predisposition; Neoplastic Syndromes, Hereditary; Hereditary Cancer Syndrome; Hereditary neoplastic syndrome. Identifiers: Orphanet 140162, MedGen C0027672, MeSH D009386, MONDO:0015356.

Submissions (2):

All of Us Research Program, National Institutes of Health
Classification: Uncertain significance for Multiple endocrine neoplasia, type 1. Last evaluated: 2023-05-31. Review status: criteria provided, single submitter. Criteria: ACMG Guidelines, 2015. Collection method: clinical testing. Allele origin: germline. Inheritance: Autosomal dominant inheritance. Observed: 1 variant allele, 1 heterozygote.
Comment: This study involves interpretation of variants in research participants for the purpose of population health screening. Participant phenotype was not available at the time of variant classification. Additional details can be found in publication PMID: 35346344, PMCID: PMC8962531

Ambry Genetics
Classification: Uncertain significance for Hereditary cancer-predisposing syndrome. Last evaluated: 2022-08-28. Review status: criteria provided, single submitter. Criteria: Ambry Variant Classification Scheme 2023. Collection method: clinical testing. Allele origin: germline.
Comment: The p.Q536E variant (also known as c.1606C>G), located in coding exon 9 of the MEN1 gene, results from a C to G substitution at nucleotide position 1606. The glutamine at codon 536 is replaced by glutamic acid, an amino acid with highly similar properties. This amino acid position is conserved. In addition, this alteration is predicted to be tolerated by in silico analysis. Since supporting evidence is limited at this time, the clinical significance of this alteration remains unclear.